The following is an entry in ClinVar:

NM_000660.7(TGFB1):c.209C>T (p.Pro70Leu)

Genes: TGFB1 (transforming growth factor beta 1; minus strand), LOC130064510 (ATAC-STARR-seq lymphoblastoid silent region 10661; plus strand). Cytogenetic location: 19q13.2.
Variant type: single nucleotide variant.
Coding change: c.209C>T on transcript NM_000660.7 (MANE Select); coding-DNA position 209, C replaced by T.
Protein change: p.Pro70Leu; replaces proline 70 with leucine.
Molecular consequence: missense variant.
Genome position (GRCh38, 1-based): chr19:41,352,836, G>A on the plus strand (C>T on the coding strand, the complement: TGFB1 is on the minus strand). VCF-style: chr19-41352836-G-A. GRCh37 (hg19) VCF-style: chr19-41858741-G-A.
Other names: short protein forms P70L.
Identifiers: ClinVar variation 4743491 (VCV004743491.1).

ClinVar aggregate classification (germline): Uncertain significance (1 of 4 stars; one submission).

Submission:

Labcorp Genetics (formerly Invitae), Labcorp
Classification: Uncertain significance. Last evaluated: 2026-01-27. Review status: criteria provided, single submitter. Criteria: Invitae Variant Classification Sherloc (09022015). Collection method: clinical testing. Allele origin: germline.
Comment: This sequence change replaces proline, which is neutral and non-polar, with leucine, which is neutral and non-polar, at codon 70 of the TGFB1 protein (p.Pro70Leu). This variant is not present in population databases (gnomAD no frequency). This variant has not been reported in the literature in individuals affected with TGFB1-related conditions. Invitae Evidence Modeling of protein sequence and biophysical properties (such as structural, functional, and spatial information, amino acid conservation, physicochemical variation, residue mobility, and thermodynamic stability) indicates that this missense variant is not expected to disrupt TGFB1 protein function with a negative predictive value of 80%. In summary, the available evidence is currently insufficient to determine the role of this variant in disease. Therefore, it has been classified as a Variant of Uncertain Significance.